The following is an entry in ClinVar:

ClinVar aggregate classification (germline): Pathogenic (1 of 4 stars; one submission).

Conditions:
USH2A-related disorder. Also called: USH2A-related condition; USH2A-related disorders. Identifiers: MedGen CN239332.

Submission:

Myriad Genetics, Inc.
Classification: Pathogenic for USH2A-related disorder. Last evaluated: 2023-11-25. Review status: criteria provided, single submitter. Criteria: Myriad Autosomal Dominant, Autosomal Recessive and X-Linked Classification Criteria (2023). Collection method: clinical testing. Allele origin: unknown.
Comment: NM_206933.2(USH2A):c.8078G>A(W2693*) is expected to be pathogenic in the context of USH2A-related disorders. This variant is predicted to lead to an abnormal or absent protein product due to the creation of a premature termination codon in USH2A, a gene where loss-of-function variants are known to be pathogenic. Please note: this variant was assessed in the context of healthy population screening.

NM_206933.4(USH2A):c.8078G>A (p.Trp2693Ter)

Gene: USH2A (usherin; minus strand). Cytogenetic location: 1q41.
Variant type: single nucleotide variant.
Coding change: c.8078G>A on transcript NM_206933.4 (MANE Select); coding-DNA position 8078, G replaced by A.
Protein change: p.Trp2693Ter; replaces tryptophan 2693 with a stop codon.
Molecular consequence: nonsense.
Genome position (GRCh38, 1-based): chr1:215,888,571, C>T on the plus strand (G>A on the coding strand, the complement: USH2A is on the minus strand). VCF-style: chr1-215888571-C-T. GRCh37 (hg19) VCF-style: chr1-216061913-C-T.
Other names: short protein forms W2693*.
Identifiers: ClinVar variation 5012521 (VCV005012521.1).